The following is an entry in ClinVar:

NM_000071.3(CBS):c.750G>C (p.Met250Ile)

Gene: CBS (cystathionine beta-synthase; minus strand). Cytogenetic location: 21q22.3.
Variant type: single nucleotide variant.
Coding change: c.750G>C on transcript NM_000071.3 (MANE Select); coding-DNA position 750, G replaced by C.
Protein change: p.Met250Ile; replaces methionine 250 with isoleucine.
Molecular consequence: missense variant.
Genome position (GRCh38, 1-based): chr21:43,063,978, C>G on the plus strand (G>C on the coding strand, the complement: CBS is on the minus strand). VCF-style: chr21-43063978-C-G. GRCh37 (hg19) VCF-style: chr21-44484088-C-G.
Other names: c.750G>C, p.Met250Ile (NM_001178008.3, NM_001178009.3, NM_001320298.2); c.435G>C, p.Met145Ile (NM_001321072.1); short protein forms M145I, M250I.
Identifiers: ClinVar variation 2152700 (VCV002152700.1), dbSNP rs863223431, ClinGen allele CA410600368.
Genomic context (GRCh38, chr21:43,063,978, plus strand): 5'-CTCCTTCAGCTTCCTGGCAATGCCCGTGATGGTGCCGCCCGTGCCCACTGAAGCCACCAG[C>G]ATGTCCAGCTTCCCTGGTGGACGGATAACATTCTTGGGTCCCTGCCTGGCCAGCCCATCA-3'
Protein context (NP_000062.1, residues 240-260): ILQQCDGKLD[Met250Ile]LVASVGTGGT

ClinVar aggregate classification (germline): Uncertain significance (1 of 4 stars; one submission).

Conditions:
HYPERHOMOCYSTEINEMIA, THROMBOTIC, CBS-RELATED. Identifiers: MedGen C3150344, OMIM 236200.

Submission:

Labcorp Genetics (formerly Invitae), Labcorp
Classification: Uncertain significance for HYPERHOMOCYSTEINEMIA, THROMBOTIC, CBS-RELATED. Last evaluated: 2022-05-25. Review status: criteria provided, single submitter. Criteria: Invitae Variant Classification Sherloc (09022015). Collection method: clinical testing. Allele origin: germline.
Comment: This sequence change replaces methionine, which is neutral and non-polar, with isoleucine, which is neutral and non-polar, at codon 250 of the CBS protein (p.Met250Ile). This variant is present in population databases (no rsID available, gnomAD 0.1%). This variant has not been reported in the literature in individuals affected with CBS-related conditions. Algorithms developed to predict the effect of missense changes on protein structure and function are either unavailable or do not agree on the potential impact of this missense change (SIFT: "Tolerated"; PolyPhen-2: "Possibly Damaging"; Align-GVGD: "Class C0"). In summary, the available evidence is currently insufficient to determine the role of this variant in disease. Therefore, it has been classified as a Variant of Uncertain Significance.